The following is an entry in ClinVar:

NM_000195.5(HPS1):c.2057A>G (p.Gln686Arg)

Gene: HPS1 (HPS1 biogenesis of lysosomal organelles complex 3 subunit 1; minus strand). Cytogenetic location: 10q24.2.
Variant type: single nucleotide variant.
Coding change: c.2057A>G on transcript NM_000195.5 (MANE Select); coding-DNA position 2057, A replaced by G.
Protein change: p.Gln686Arg; replaces glutamine 686 with arginine.
Molecular consequence: missense variant.
Genome position (GRCh38, 1-based): chr10:98,417,610, T>C on the plus strand (A>G on the coding strand, the complement: HPS1 is on the minus strand). VCF-style: chr10-98417610-T-C. GRCh37 (hg19) VCF-style: chr10-100177367-T-C.
Other names: c.1085A>G, p.Gln362Arg (NM_001311345.2, NM_001322487.2, NM_001322489.2); c.2057A>G, p.Gln686Arg (NM_001322476.2, NM_001322477.2); c.1958A>G, p.Gln653Arg (NM_001322478.2, NM_001322479.2); c.1796A>G, p.Gln599Arg (NM_001322480.2, NM_001322481.2); c.1697A>G, p.Gln566Arg (NM_001322482.2); c.1688A>G, p.Gln563Arg (NM_001322483.2, NM_001322484.2); c.1589A>G, p.Gln530Arg (NM_001322485.2); short protein forms Q362R, Q530R, Q563R, Q566R, Q599R, Q653R, Q686R.
Identifiers: ClinVar variation 1343447 (VCV001343447.4), dbSNP rs372189642, ClinGen allele CA5638796.

ClinVar aggregate classification (germline): Uncertain significance. Review status: criteria provided, multiple submitters, no conflicts (2 of 4 stars). 2 submissions from 2 submitters: Uncertain significance (2). Last evaluated 2026-05-18.

Allele frequency attached by ClinVar (database versions not stated): gnomAD exomes 0.00005 and 0.00004; ESP Exome Variant Server 0.00008; gnomAD 0.00005; ExAC 0.00004; TOPMed 0.00004.
gnomAD v4.1: 74 of 1,612,174 alleles (0.0046%); highest among the groups gnomAD compares: Non-Finnish European, 0.006%; no homozygotes.

Submissions (2):

Women's Health and Genetics/Laboratory Corporation of America, LabCorp
Classification: Uncertain significance. Last evaluated: 2026-05-18. Review status: criteria provided, single submitter. Criteria: LabCorp Variant Classification Summary - May 2015. Collection method: clinical testing. Allele origin: germline.
Comment: Variant summary: HPS1 c.2057A>G (p.Gln686Arg) results in a conservative amino acid change in the encoded protein sequence. Algorithms developed to predict the effect of missense changes on protein structure and function are either unavailable or do not agree on the potential impact of this missense change. The variant allele was found at a frequency of 3.6e-05 in 247884 control chromosomes. The available data on variant occurrences in the general population are insufficient to allow any conclusion about variant significance. To our knowledge, no occurrence of c.2057A>G in individuals affected with HPS1-related conditions and no experimental evidence demonstrating its impact on protein function have been reported. ClinVar contains an entry for this variant (Variation ID: 1343447). Based on the evidence outlined above, the variant was classified as uncertain significance.

Labcorp Genetics (formerly Invitae), Labcorp
Classification: Uncertain significance. Last evaluated: 2022-08-20. Review status: criteria provided, single submitter. Criteria: Invitae Variant Classification Sherloc (09022015). Collection method: clinical testing. Allele origin: germline.
Comment: This sequence change replaces glutamine, which is neutral and polar, with arginine, which is basic and polar, at codon 686 of the HPS1 protein (p.Gln686Arg). This variant is present in population databases (rs372189642, gnomAD 0.009%). This variant has not been reported in the literature in individuals affected with HPS1-related conditions. ClinVar contains an entry for this variant (Variation ID: 1343447). Algorithms developed to predict the effect of missense changes on protein structure and function (SIFT, PolyPhen-2, Align-GVGD) all suggest that this variant is likely to be tolerated. In summary, the available evidence is currently insufficient to determine the role of this variant in disease. Therefore, it has been classified as a Variant of Uncertain Significance.